The following is an entry in ClinVar:

ClinVar aggregate classification (germline): Uncertain significance (1 of 4 stars; one submission).

Conditions:
Long QT syndrome (LQTS). Identifiers: MedGen C0023976, MeSH D008133, MONDO:0002442. Disease mechanism: loss of function. Inheritance: Various modes of inheritance.

Submission:

Labcorp Genetics (formerly Invitae), Labcorp
Classification: Uncertain significance for Long QT syndrome. Last evaluated: 2025-12-13. Review status: criteria provided, single submitter. Criteria: Invitae Variant Classification Sherloc (09022015). Collection method: clinical testing. Allele origin: germline.
Comment: This sequence change replaces alanine, which is neutral and non-polar, with isoleucine, which is neutral and non-polar, at codon 396 of the KCNJ5 protein (p.Ala396Ile). Information on the frequency of this variant in the gnomAD database is not available, as this variant may be reported differently in the database. This variant has not been reported in the literature in individuals affected with KCNJ5-related conditions. An algorithm developed to predict the effect of missense changes on protein structure and function (PolyPhen-2) suggests that this variant is likely to be tolerated. In summary, the available evidence is currently insufficient to determine the role of this variant in disease. Therefore, it has been classified as a Variant of Uncertain Significance.

NM_000890.5(KCNJ5):c.1186_1187delinsAT (p.Ala396Ile)

Gene: KCNJ5 (potassium inwardly rectifying channel subfamily J member 5; plus strand). Cytogenetic location: 11q24.3.
Variant type: Indel.
Coding change: c.1186_1187delinsAT on transcript NM_000890.5 (MANE Select); coding-DNA positions 1186 to 1187, GC replaced by AT.
Protein change: p.Ala396Ile; replaces alanine 396 with isoleucine.
Molecular consequence: missense variant.
Genome position (GRCh38, 1-based): chr11:128,916,657-128,916,658, GC replaced by AT. VCF-style: chr11-128916657-GC-AT. GRCh37 (hg19) VCF-style: chr11-128786552-GC-AT.
Other names: c.1186_1187delinsAT, p.Ala396Ile (NM_001354169.2); short protein forms A396I.
Identifiers: ClinVar variation 4797241 (VCV004797241.1).